The following is an entry in ClinVar:

NM_000069.3(CACNA1S):c.1591C>T (p.Arg531Cys)

Gene: CACNA1S (calcium voltage-gated channel subunit alpha1 S; minus strand). Cytogenetic location: 1q32.1.
Variant type: single nucleotide variant.
Coding change: c.1591C>T on transcript NM_000069.3 (MANE Select); coding-DNA position 1591, C replaced by T.
Protein change: p.Arg531Cys; replaces arginine 531 with cysteine.
Molecular consequence: missense variant.
Genome position (GRCh38, 1-based): chr1:201,077,907, G>A on the plus strand (C>T on the coding strand, the complement: CACNA1S is on the minus strand). VCF-style: chr1-201077907-G-A. GRCh37 (hg19) VCF-style: chr1-201047035-G-A.
Other names: short protein forms R531C.
Identifiers: ClinVar variation 806320 (VCV000806320.27), dbSNP rs751671175, ClinGen allele CA078427.
Genomic context (GRCh38, chr1:201,077,907, plus strand): 5'-ACCCGGGAGTGCCAGCCGACCCCGGCACTCACTTGGTGATCTTGAAGATCCTCAGGAGGC[G>A]GATGCAGCGGAGCACGGAGATGCCCAGGGGTGTCATGGCACCCGACTCCACCAGCAGGAT-3'
Protein context (NP_000060.2, residues 521-541): PLGISVLRCI[Arg531Cys]LLRIFKITKY

ClinVar aggregate classification (germline): Conflicting classifications of pathogenicity. Review status: criteria provided, conflicting classifications (1 of 4 stars). 9 submissions from 6 submitters: Uncertain significance (3); Likely benign (6). Last evaluated 2026-01-19.

Conditions:
Congenital myopathy 18. Also called: Myopathy, congenital, due to dihydropyridine receptor defect; DIHYDROPYRIDINE RECEPTOR CONGENITAL MYOPATHY; DHPR CONGENITAL MYOPATHY. Identifiers: MedGen C5830283, MONDO:0859514, OMIM 620246.
Malignant hyperthermia, susceptibility to, 5 (MHS5). Also called: CACNA1S-Related Malignant Hyperthermia Susceptibility. Identifiers: Orphanet 423, MedGen C1866077, MONDO:0011163, OMIM 601887.
Hypokalemic periodic paralysis, type 1. Also called: HypoPP; Hypokalemic Periodic Paralysis Type 1 (AD). Identifiers: Orphanet 681, MedGen C3714580, MONDO:0042979, OMIM 170400.
Thyrotoxic periodic paralysis, susceptibility to, 1 (TTPP1). Identifiers: Orphanet 79102, MedGen C2749982, MONDO:0008570, OMIM 188580.

Allele frequency attached by ClinVar (database versions not stated): gnomAD 0.00002 and 0.00003; TOPMed 0.00002; gnomAD exomes 0.00003 and 0.00007; ExAC 0.00007.
gnomAD v4.1: 48 of 1,613,908 alleles (0.003%); highest among the groups gnomAD compares: South Asian, 0.036%; 1 homozygote.

Submissions (9):

Labcorp Genetics (formerly Invitae), Labcorp
Classification: Likely benign for Hypokalemic periodic paralysis, type 1; Malignant hyperthermia, susceptibility to, 5. Last evaluated: 2026-01-19. Review status: criteria provided, single submitter. Criteria: Invitae Variant Classification Sherloc (09022015). Collection method: clinical testing. Allele origin: germline.

Revvity Omics, Revvity
Classification: Uncertain significance. Last evaluated: 2024-12-24. Review status: criteria provided, single submitter. Criteria: ACMG Guidelines, 2015. Collection method: clinical testing. Allele origin: germline.

Fulgent Genetics
Classification: Uncertain significance for Hypokalemic periodic paralysis, type 1; Thyrotoxic periodic paralysis, susceptibility to, 1; Malignant hyperthermia, susceptibility to, 5; Congenital myopathy 18. Last evaluated: 2024-03-20. Review status: criteria provided, single submitter. Criteria: ACMG Guidelines, 2015. Collection method: clinical testing. Allele origin: germline.

All of Us Research Program, National Institutes of Health
Classification: Uncertain significance for Malignant hyperthermia, susceptibility to, 5. Last evaluated: 2023-11-30. Review status: criteria provided, single submitter. Criteria: ACMG Guidelines, 2015. Collection method: clinical testing. Allele origin: germline. Inheritance: Autosomal dominant inheritance. Observed: 1 variant allele, 1 heterozygote.
Comment: This study involves interpretation of variants in research participants for the purpose of population health screening. Participant phenotype was not available at the time of variant classification. Additional details can be found in publication PMID: 35346344, PMCID: PMC8962531

Genome-Nilou Lab
Classification: Likely benign for Malignant hyperthermia, susceptibility to, 5. Last evaluated: 2023-04-11. Review status: criteria provided, single submitter. Criteria: ACMG Guidelines, 2015. Collection method: clinical testing. Allele origin: germline. Affected: no.

Genome-Nilou Lab
Classification: Likely benign for Thyrotoxic periodic paralysis, susceptibility to, 1. Last evaluated: 2023-04-11. Review status: criteria provided, single submitter. Criteria: ACMG Guidelines, 2015. Collection method: clinical testing. Allele origin: germline. Affected: no.

Genome-Nilou Lab
Classification: Likely benign for Congenital myopathy 18. Last evaluated: 2023-04-11. Review status: criteria provided, single submitter. Criteria: ACMG Guidelines, 2015. Collection method: clinical testing. Allele origin: germline. Affected: no.

Genome-Nilou Lab
Classification: Likely benign for Hypokalemic periodic paralysis, type 1. Last evaluated: 2023-04-11. Review status: criteria provided, single submitter. Criteria: ACMG Guidelines, 2015. Collection method: clinical testing. Allele origin: germline. Affected: no.

Illumina Laboratory Services, Illumina
Classification: Likely benign for Hypokalemic periodic paralysis, type 1. Last evaluated: 2018-01-13. Review status: criteria provided, single submitter. Criteria: ICSL Variant Classification Criteria 13 December 2019. Collection method: clinical testing. Allele origin: germline.
Comment: This variant was observed in the ICSL laboratory as part of a predisposition screen in an ostensibly healthy population. It had not been previously curated by ICSL or reported in the Human Gene Mutation Database (HGMD: prior to June 1st, 2018), and was therefore a candidate for classification through an automated scoring system. Utilizing variant allele frequency, disease prevalence and penetrance estimates, and inheritance mode, an automated score was calculated to assess if this variant is too frequent to cause the disease. Based on the score and internal cut-off values, a variant classified as likely benign is not then subjected to further curation. The score for this variant resulted in a classification of likely benign for this disease.